The following is an entry in ClinVar:

NM_000515.5(GH1):c.406G>A (p.Val136Ile)

Genes: GH-LCR (growth hormone locus control region; plus strand), GH1 (growth hormone 1; minus strand). Cytogenetic location: 17q23.3.
Variant type: single nucleotide variant.
Coding change: c.406G>A on transcript NM_000515.5 (MANE Select); coding-DNA position 406, G replaced by A.
Protein change: p.Val136Ile; replaces valine 136 with isoleucine.
Molecular consequence: missense variant.
Genome position (GRCh38, 1-based): chr17:63,917,810, C>T on the plus strand (G>A on the coding strand, the complement: GH1 is on the minus strand). VCF-style: chr17-63917810-C-T. GRCh37 (hg19) VCF-style: chr17-61995170-C-T.
Other names: c.361G>A, p.Val121Ile (NM_022559.4); c.286G>A, p.Val96Ile (NM_022560.4); short protein forms V136I, V121I, V96I.
Identifiers: ClinVar variation 197151 (VCV000197151.46), dbSNP rs5388, ClinGen allele CA202715.

ClinVar aggregate classification (germline): Conflicting classifications of pathogenicity. Review status: criteria provided, conflicting classifications (1 of 4 stars). 6 submissions from 6 submitters: Uncertain significance (1); Benign (1); Likely benign (4). Last evaluated 2026-06-03.

Conditions:
Decreased response to growth hormone stimulation test. Also called: Growth hormone deficiency. Identifiers: MedGen C5539399, HP:0000824.

Allele frequency attached by ClinVar (database versions not stated): 1000 Genomes Project 30x 0.00156; 1000 Genomes Project 0.00180; gnomAD 0.00527 and 0.00560; ExAC 0.00545; TOPMed 0.00561; gnomAD exomes 0.00571; ESP Exome Variant Server 0.00746.

Submissions (6):

Women's Health and Genetics/Laboratory Corporation of America, LabCorp
Classification: Likely benign. Last evaluated: 2026-06-03. Review status: criteria provided, single submitter. Criteria: LabCorp Variant Classification Summary - May 2015. Collection method: clinical testing. Allele origin: germline.
Comment: Variant summary: GH1 c.406G>A (p.Val136Ile) results in a conservative amino acid change in the encoded protein sequence. Algorithms developed to predict the effect of missense changes on protein structure and function are either unavailable or do not agree on the potential impact of this missense change. The variant allele was found at a frequency of 0.0057 in 251450 control chromosomes, predominantly at a frequency of 0.0089 within the Non-Finnish European subpopulation in the gnomAD database, including 5 homozygotes. The observed variant frequency within Non-Finnish European control individuals in the gnomAD database exceeds the estimated maximal expected allele frequency for disease-causing variants in GH1. To our knowledge, no occurrence of c.406G>A in individuals affected with GH1-related conditions and no experimental evidence demonstrating its impact on protein function have been reported. ClinVar contains an entry for this variant (Variation ID: 197151). Based on the evidence outlined above, the variant was classified as likely benign.

Labcorp Genetics (formerly Invitae), Labcorp
Classification: Likely benign. Last evaluated: 2026-01-26. Review status: criteria provided, single submitter. Criteria: Invitae Variant Classification Sherloc (09022015). Collection method: clinical testing. Allele origin: germline.

CeGaT Center for Human Genetics Tuebingen
Classification: Likely benign. Last evaluated: 2025-06-01. Review status: criteria provided, single submitter. Criteria: CeGaT Center For Human Genetics Tuebingen Variant Classification Criteria Version 2. Collection method: clinical testing. Allele origin: germline. Affected: yes. Observed: 3 variant alleles.
Comment: GH1: PM5, BP4, BS2

Illumina Laboratory Services, Illumina
Classification: Uncertain significance for Growth hormone deficiency. Last evaluated: 2017-04-27. Review status: criteria provided, single submitter. Criteria: ICSL Variant Classification Criteria 13 December 2019. Collection method: clinical testing. Allele origin: germline.
Comment: This variant was observed as part of a predisposition screen in an ostensibly healthy population. A literature search was performed for the gene, cDNA change, and amino acid change (where applicable). Publications were found based on this search. However, the evidence from the literature, in combination with allele frequency data from public databases where available, was not sufficient to rule this variant in or out of causing disease. Therefore, this variant is classified as a variant of unknown significance.

Center for Pediatric Genomic Medicine, Children's Mercy Hospital and Clinics
Classification: Likely benign. Last evaluated: 2017-01-06. Review status: criteria provided, single submitter. Criteria: ACMG Guidelines, 2015. Collection method: clinical testing. Allele origin: germline.
ClinVar note: Converted during submission from Likely Benign to Likely benign.

Eurofins Ntd Llc (ga)
Classification: Benign. Last evaluated: 2015-03-30. Review status: criteria provided, single submitter. Criteria: EGL Classification Definitions 2015. Collection method: clinical testing. Allele origin: germline.

Literature cited by the submitters: PubMed 16741161 (cited by Illumina Laboratory Services, Illumina); PubMed 12655557 (cited by Illumina Laboratory Services, Illumina).